The following is an entry in ClinVar:

NM_031433.4(MFRP):c.1255+5G>A

Genes: C1QTNF5 (C1q and TNF related 5; minus strand), MFRP (membrane frizzled-related protein; minus strand). Cytogenetic location: 11q23.3.
Variant type: single nucleotide variant.
Coding change: c.1255+5G>A on transcript NM_031433.4 (MANE Select); 5 bases into the intron after coding-DNA position 1255, G replaced by A.
Molecular consequence: intron variant.
Genome position (GRCh38, 1-based): chr11:119,342,868, C>T on the plus strand (G>A on the coding strand, the complement: MFRP is on the minus strand). VCF-style: chr11-119342868-C-T. GRCh37 (hg19) VCF-style: chr11-119213578-C-T.
Other names: c.-1382+5G>A (NM_015645.5).
Identifiers: ClinVar variation 1044204 (VCV001044204.8), dbSNP rs367859225, ClinGen allele CA6320198.

ClinVar aggregate classification (germline): Uncertain significance. Review status: criteria provided, multiple submitters, no conflicts (2 of 4 stars). 2 submissions from 2 submitters: Uncertain significance (2). Last evaluated 2026-08-01.

Conditions:
Isolated microphthalmia 5. Also called: Posterior Microphthalmia with Retinitis Pigmentosa, Foveoschisis, and Optic Disc Drusen. Identifiers: Orphanet 251279, MedGen C1970236, MONDO:0012605, OMIM 611040.

Allele frequency attached by ClinVar (database versions not stated): gnomAD 0.00001; ExAC 0.00006; ESP Exome Variant Server 0.00008; TOPMed 0.00001; 1000 Genomes Project 30x 0.00031; gnomAD exomes 0.00002 and 0.00005; 1000 Genomes Project 0.00040.
gnomAD v4.1: 24 of 1,613,134 alleles (0.0015%); highest among the groups gnomAD compares: South Asian, 0.015%; no homozygotes.

Submissions (2):

CeGaT Center for Human Genetics Tuebingen
Classification: Uncertain significance. Last evaluated: 2026-08-01. Review status: criteria provided, single submitter. Criteria: CeGaT Center For Human Genetics Tuebingen Variant Classification Criteria Version 2. Collection method: clinical testing. Allele origin: germline. Affected: yes. Observed: 1 variant allele.
Comment: MFRP: PM2, PM3, PP3

Labcorp Genetics (formerly Invitae), Labcorp
Classification: Uncertain significance for Isolated microphthalmia 5. Last evaluated: 2023-08-28. Review status: criteria provided, single submitter. Criteria: Invitae Variant Classification Sherloc (09022015). Collection method: clinical testing. Allele origin: germline.
Comment: Variants that disrupt the consensus splice site are a relatively common cause of aberrant splicing (PMID: 17576681, 9536098). Algorithms developed to predict the effect of sequence changes on RNA splicing suggest that this variant may disrupt the consensus splice site. In summary, the available evidence is currently insufficient to determine the role of this variant in disease. Therefore, it has been classified as a Variant of Uncertain Significance. This sequence change falls in intron 10 of the MFRP gene. It does not directly change the encoded amino acid sequence of the MFRP protein. It affects a nucleotide within the consensus splice site. This variant is present in population databases (rs367859225, gnomAD 0.03%). This variant has not been reported in the literature in individuals affected with MFRP-related conditions. ClinVar contains an entry for this variant (Variation ID: 1044204).

Literature cited by the submitters: PubMed 17576681 (cited by Labcorp Genetics (formerly Invitae), Labcorp); PubMed 9536098 (cited by Labcorp Genetics (formerly Invitae), Labcorp).